The following is an entry in ClinVar:

ClinVar aggregate classification (germline): Benign/Likely benign. Review status: criteria provided, multiple submitters, no conflicts (2 of 4 stars). 12 submissions from 12 submitters: Benign (6); Likely benign (5). 1 of the submissions does not count toward it. Last evaluated 2026-09-01.

Conditions:
Generalized epilepsy-paroxysmal dyskinesia syndrome (PNKD3). Also called: Paroxysmal nonkinesigenic dyskinesia, 3, with or without generalized epilepsy; Generalized epilepsy and paroxysmal dyskinesia. Identifiers: Orphanet 79137, MedGen C5574945, MONDO:0012276, OMIM 609446.

Allele frequency attached by ClinVar (database versions not stated): 1000 Genomes Project 30x 0.00156; 1000 Genomes Project 0.00180; ExAC 0.00553; TOPMed 0.00568; gnomAD exomes 0.00570; gnomAD 0.00578; ESP Exome Variant Server 0.00638.
gnomAD v4.1: 12,695 of 1,614,022 alleles (0.79%); highest among the groups gnomAD compares: Non-Finnish European, 0.93%; 72 homozygotes.

Submissions (12):

CeGaT Center for Human Genetics Tuebingen
Classification: Likely benign. Last evaluated: 2026-09-01. Review status: criteria provided, single submitter. Criteria: CeGaT Center For Human Genetics Tuebingen Variant Classification Criteria Version 2. Collection method: clinical testing. Allele origin: germline. Affected: yes. Observed: 75 variant alleles.
Comment: KCNMA1: BP4, BP7, BS2

Labcorp Genetics (formerly Invitae), Labcorp
Classification: Benign for Generalized epilepsy-paroxysmal dyskinesia syndrome. Last evaluated: 2026-02-02. Review status: criteria provided, single submitter. Criteria: Invitae Variant Classification Sherloc (09022015). Collection method: clinical testing. Allele origin: germline.

Mayo Clinic Laboratories, Mayo Clinic
Classification: Benign. Last evaluated: 2022-12-07. Review status: criteria provided, single submitter. Criteria: ACMG Guidelines, 2015. Collection method: clinical testing. Allele origin: germline. Observed: 7 variant alleles.
Comment: BS1, BS2, BP4

Genetic Services Laboratory, University of Chicago
Classification: Benign. Last evaluated: 2021-06-01. Review status: criteria provided, single submitter. Criteria: ACMG Guidelines, 2015. Collection method: clinical testing. Allele origin: germline. Affected: no.

Athena Diagnostics
Classification: Benign. Last evaluated: 2020-11-24. Review status: criteria provided, single submitter. Criteria: Athena Diagnostics criteria. Collection method: clinical testing. Allele origin: unknown.

GeneDx
Classification: Benign. Last evaluated: 2018-08-23. Review status: criteria provided, single submitter. Criteria: GeneDx Variant Classification Process June 2021. Collection method: clinical testing. Allele origin: germline. Affected: yes.

Illumina Laboratory Services, Illumina
Classification: Likely benign for Generalized epilepsy-paroxysmal dyskinesia syndrome. Last evaluated: 2018-01-13. Review status: criteria provided, single submitter. Criteria: ICSL Variant Classification Criteria 13 December 2019. Collection method: clinical testing. Allele origin: germline.
Comment: This variant was observed in the ICSL laboratory as part of a predisposition screen in an ostensibly healthy population. It had not been previously curated by ICSL or reported in the Human Gene Mutation Database (HGMD: prior to June 1st, 2018), and was therefore a candidate for classification through an automated scoring system. Utilizing variant allele frequency, disease prevalence and penetrance estimates, and inheritance mode, an automated score was calculated to assess if this variant is too frequent to cause the disease. Based on the score and internal cut-off values, a variant classified as likely benign is not then subjected to further curation. The score for this variant resulted in a classification of likely benign for this disease.

Clinical Genetics DNA and cytogenetics Diagnostics Lab, Erasmus MC, Erasmus Medical Center
Classification: Likely benign for Generalized epilepsy-paroxysmal dyskinesia syndrome. Last evaluated: 2015-09-21. Review status: criteria provided, single submitter. Criteria: ACGS Guidelines, 2013. Collection method: clinical testing. Allele origin: germline. Affected: yes. Study: VKGL Data-share Consensus.

Genome Diagnostics Laboratory, University Medical Center Utrecht
Classification: Likely benign for Generalized epilepsy-paroxysmal dyskinesia syndrome. Last evaluated: 2015-04-19. Review status: criteria provided, single submitter. Criteria: ACGS Guidelines, 2013. Collection method: clinical testing. Allele origin: germline. Affected: yes. Study: VKGL Data-share Consensus.

Eurofins Ntd Llc (ga)
Classification: Benign. Last evaluated: 2014-01-27. Review status: criteria provided, single submitter. Criteria: EGL Classification Definitions 2015. Collection method: clinical testing. Allele origin: germline. Observed: 2 variant alleles, 2 heterozygotes.

Breakthrough Genomics
Classification: Likely benign. Review status: criteria provided, single submitter. Criteria: ACMG Guidelines, 2015. Collection method: not provided. Allele origin: germline. Inheritance: Autosomal recessive inheritance. Affected: yes.

Diagnostic Laboratory, Department of Genetics, University Medical Center Groningen
Classification: Benign for Generalized epilepsy-paroxysmal dyskinesia syndrome. Review status: no assertion criteria provided. Collection method: clinical testing. Allele origin: germline. Affected: yes. Study: VKGL Data-share Consensus. Not counted in ClinVar's aggregate classification.

NM_001161352.2(KCNMA1):c.3195C>T (p.Thr1065=)

Genes: KCNMA1 (potassium calcium-activated channel subfamily M alpha 1; minus strand), KCNMA1-AS1 (KCNMA1 antisense RNA 1; plus strand). Cytogenetic location: 10q22.3.
Variant type: single nucleotide variant.
Coding change: c.3195C>T on transcript NM_001161352.2 (MANE Select); coding-DNA position 3195, C replaced by T.
Protein change: p.Thr1065=; no amino-acid change (threonine 1065 retained).
Molecular consequence: synonymous variant.
Genome position (GRCh38, 1-based): chr10:76,891,672, G>A on the plus strand (C>T on the coding strand, the complement: KCNMA1 is on the minus strand). VCF-style: chr10-76891672-G-A. GRCh37 (hg19) VCF-style: chr10-78651430-G-A.
Other names: p.Thr1007=; c.3033C>T, p.Thr1011= (NM_001014797.3); c.3144C>T, p.Thr1048= (NM_001161353.2); c.2871C>T, p.Thr957= (NM_001271518.2); c.3111C>T, p.Thr1037= (NM_001271519.2); c.3030C>T, p.Thr1010= (NM_001322829.2, NM_001322836.2); c.3123C>T, p.Thr1041= (NM_001322830.2); c.3021C>T, p.Thr1007= (NM_001322832.2, NM_002247.4); and 2 more.
Identifiers: ClinVar variation 129326 (VCV000129326.71), dbSNP rs45527834, ClinGen allele CA153280.